The following is an entry in ClinVar:

NM_017436.7(A4GALT):c.11C>A (p.Pro4His)

Gene: A4GALT (alpha 1,4-galactosyltransferase (P1PK blood group); minus strand). Cytogenetic location: 22q13.2.
Variant type: single nucleotide variant.
Coding change: c.11C>A on transcript NM_017436.7 (MANE Select); coding-DNA position 11, C replaced by A.
Protein change: p.Pro4His; replaces proline 4 with histidine.
Molecular consequence: missense variant.
Genome position (GRCh38, 1-based): chr22:42,693,941, G>T on the plus strand (C>A on the coding strand, the complement: A4GALT is on the minus strand). VCF-style: chr22-42693941-G-T. GRCh37 (hg19) VCF-style: chr22-43089947-G-T.
Other names: c.11C>A, p.Pro4His (NM_001318038.3); short protein forms P4H.
Identifiers: ClinVar variation 3685731 (VCV003685731.2).
Genomic context (GRCh38, chr22:42,693,941, plus strand): 5'-AACAGGGTGCAGACCCGCTGCCTTGGGGCGCCCCGGAGCAGCCGCAGCAGGAGGTCGGGG[G>T]GCTTGGACATGGTATCCCCAGATCAGACCAGGAGCTTCCAGCAGGAACCGGCTGGTCTGC-3'
Protein context (NP_059132.1, residues 1-14): MSK[Pro4His]PDLLLRLLRG

ClinVar aggregate classification (germline): Uncertain significance (1 of 4 stars; one submission).

gnomAD v4.1: 2 of 1,586,626 alleles (0.00013%); highest among the groups gnomAD compares: Non-Finnish European, 0.000086%; no homozygotes.

Submission:

Labcorp Genetics (formerly Invitae), Labcorp
Classification: Uncertain significance. Last evaluated: 2024-12-04. Review status: criteria provided, single submitter. Criteria: Invitae Variant Classification Sherloc (09022015). Collection method: clinical testing. Allele origin: germline.
Comment: This sequence change replaces proline, which is neutral and non-polar, with histidine, which is basic and polar, at codon 4 of the A4GALT protein (p.Pro4His). This variant is not present in population databases (gnomAD no frequency). This variant has not been reported in the literature in individuals affected with A4GALT-related conditions. An algorithm developed to predict the effect of missense changes on protein structure and function outputs the following: PolyPhen-2: "Benign". The histidine amino acid residue is found in multiple mammalian species, which suggests that this missense change does not adversely affect protein function. In summary, the available evidence is currently insufficient to determine the role of this variant in disease. Therefore, it has been classified as a Variant of Uncertain Significance.